The following is an entry in ClinVar:

NM_006016.6(CD164):c.*9A>C

Gene: CD164 (CD164 molecule; minus strand). Cytogenetic location: 6q21.
Variant type: single nucleotide variant.
Coding change: c.*9A>C on transcript NM_006016.6 (MANE Select); 9 bases downstream of the stop codon, A replaced by C.
Molecular consequence: 3 prime UTR variant. On other transcripts: intron variant (2).
Genome position (GRCh38, 1-based): chr6:109,368,842, T>G on the plus strand (A>C on the coding strand, the complement: CD164 is on the minus strand). VCF-style: chr6-109368842-T-G. GRCh37 (hg19) VCF-style: chr6-109690045-T-G.
Other names: c.*9A>C (NM_001142401.3, NM_001142402.3, NM_001346500.2); c.428-517A>C (NM_001142404.3); c.523+80A>C (NM_001142403.3).
Identifiers: ClinVar variation 3336567 (VCV003336567.1).
Genomic context (GRCh38, chr6:109,368,842, plus strand): 5'-AAGATAGTATTTTGGCTTCAGTGAGTTACACAAATGAATCACCAGTCCTTATTAATTCAA[T>G]GGGTCTGTTTACAGAGTGTGGTAATTTCGTTCTTTAGATTTGCAGAATTTATAAAGAAAG-3'

ClinVar aggregate classification (germline): Uncertain significance (1 of 4 stars; one submission).

Submission:

Women's Health and Genetics/Laboratory Corporation of America, LabCorp
Classification: Uncertain significance. Last evaluated: 2024-05-15. Review status: criteria provided, single submitter. Criteria: LabCorp Variant Classification Summary - May 2015. Collection method: clinical testing. Allele origin: germline.
Comment: Variant summary: CD164 c.*9A>C is located in the untranslated mRNA region downstream of the termination codon. The variant was absent in 240804 control chromosomes. The available data on variant occurrences in the general population are insufficient to allow any conclusion about variant significance. To our knowledge, no occurrence of c.*9A>C in individuals affected with Autosomal Dominant Nonsyndromic Hearing Loss 66 and no experimental evidence demonstrating its impact on protein function have been reported. No submitters have cited clinical-significance assessments for this variant to ClinVar. Based on the evidence outlined above, the variant was classified as uncertain significance.